The following is an entry in ClinVar:

ClinVar aggregate classification (germline): Likely benign. Review status: criteria provided, multiple submitters, no conflicts (2 of 4 stars). 2 submissions from 2 submitters: Likely benign (2). Last evaluated 2018-01-13.

Conditions:
Mucopolysaccharidosis, MPS-III-C (MPS3C). Also called: MUCOPOLYSACCHARIDOSIS, TYPE IIIC; Mucopolysaccharidosis type IIIC (Sanfilippo C); MPS IIIC (Sanfilippo Syndrome Type C); SANFILIPPO SYNDROME C; mucopolysaccharidosis type 3C; MPS III C. Identifiers: Orphanet 581, Orphanet 79271, MedGen C0086649, MONDO:0009657, OMIM 252930.

Allele frequency attached by ClinVar (database versions not stated): TOPMed 0.00955; 1000 Genomes Project 0.00719; gnomAD 0.00899 and 0.00948; 1000 Genomes Project 30x 0.00765.

Submissions (2):

Illumina Laboratory Services, Illumina
Classification: Likely benign for Mucopolysaccharidosis, MPS-III-C. Last evaluated: 2018-01-13. Review status: criteria provided, single submitter. Criteria: ICSL Variant Classification Criteria 13 December 2019. Collection method: clinical testing. Allele origin: germline.
Comment: This variant was observed in the ICSL laboratory as part of a predisposition screen in an ostensibly healthy population. It had not been previously curated by ICSL or reported in the Human Gene Mutation Database (HGMD: prior to June 1st, 2018), and was therefore a candidate for classification through an automated scoring system. Utilizing variant allele frequency, disease prevalence and penetrance estimates, and inheritance mode, an automated score was calculated to assess if this variant is too frequent to cause the disease. Based on the score and internal cut-off values, a variant classified as likely benign is not then subjected to further curation. The score for this variant resulted in a classification of likely benign for this disease.

Breakthrough Genomics
Classification: Likely benign. Review status: criteria provided, single submitter. Criteria: ACMG Guidelines, 2015. Collection method: not provided. Allele origin: germline. Inheritance: Autosomal recessive inheritance. Affected: yes.

NM_152419.3(HGSNAT):c.*3213T>A

Gene: HGSNAT (heparan-alpha-glucosaminide N-acetyltransferase; plus strand). Cytogenetic location: 8p11.1.
Variant type: single nucleotide variant.
Coding change: c.*3213T>A on transcript NM_152419.3 (MANE Select); 3213 bases downstream of the stop codon, T replaced by A.
Molecular consequence: 3 prime UTR variant.
Genome position (GRCh38, 1-based): chr8:43,202,782, T>A. VCF-style: chr8-43202782-T-A. GRCh37 (hg19) VCF-style: chr8-43057925-T-A.
Other names: c.*3213T>A (NM_001363227.2, NM_001363228.2, NM_001363229.2).
Identifiers: ClinVar variation 363188 (VCV000363188.6), dbSNP rs141634395, ClinGen allele CA10631224.